The following is an entry in ClinVar:

NM_000085.5(CLCNKB):c.876T>C (p.Cys292=)

Genes: CLCNKB (chloride voltage-gated channel Kb; plus strand), LOC106501713 (CLCNKB recombination region; plus strand). Cytogenetic location: 1p36.13.
Variant type: single nucleotide variant.
Coding change: c.876T>C on transcript NM_000085.5 (MANE Select); coding-DNA position 876, T replaced by C.
Protein change: p.Cys292=; no amino-acid change (cysteine 292 retained).
Molecular consequence: synonymous variant.
Genome position (GRCh38, 1-based): chr1:16,049,824, T>C. VCF-style: chr1-16049824-T-C. GRCh37 (hg19) VCF-style: chr1-16376319-T-C.
Other names: p.Cys292=; c.369T>C, p.Cys123= (NM_001165945.2).
Identifiers: ClinVar variation 377683 (VCV000377683.21), dbSNP rs7368151, ClinGen allele CA623579.
Genomic context (GRCh38, chr1:16,049,824, plus strand): 5'-GGCCCCTGGTACTGGGGTCGGGCTCTGGGCTCATGTCTCCATGCTCCCCAGGGGTCTCTG[T>C]GGCATCCTGGGCAGCGCTTACCTCTTCTGTCAGCGAATCTTCTTTGGCTTCATCAGGAAC-3'
Protein context (NP_000076.2, residues 282-302): IFFFVALGGL[Cys292=]GILGSAYLFC

ClinVar aggregate classification (germline): Benign. Review status: criteria provided, multiple submitters, no conflicts (2 of 4 stars). 11 submissions from 10 submitters: Benign (9). 2 of the submissions do not count toward it. Last evaluated 2026-06-30.

Conditions:
Bartter disease type 3. Also called: Bartter syndrome type 3. Identifiers: Orphanet 112, Orphanet 93605, MedGen C1846343, MONDO:0011822, OMIM 607364.
Bartter disease type 4B. Also called: BARTTER SYNDROME, TYPE 4B; Bartter syndrome, type 4b, digenic; BARTTER SYNDROME, TYPE 4B, NEONATAL, WITH SENSORINEURAL DEAFNESS. Identifiers: Orphanet 112, MedGen C4310805, MONDO:0000909, OMIM 613090.

Allele frequency attached by ClinVar (database versions not stated): ESP Exome Variant Server 0.81509; TOPMed 0.81994; 1000 Genomes Project 30x 0.82339; gnomAD 0.82518 and 0.83375; 1000 Genomes Project 0.83007; ExAC 0.91135; gnomAD exomes 0.91680.
gnomAD v4.1: 1,487,960 of 1,613,546 alleles (92%); highest among the groups gnomAD compares: East Asian, 100%; 691,875 homozygotes.

Submissions (11):

Women's Health and Genetics/Laboratory Corporation of America, LabCorp
Classification: Benign. Last evaluated: 2026-06-30. Review status: criteria provided, single submitter. Criteria: LabCorp Variant Classification Summary - May 2015. Collection method: clinical testing. Allele origin: germline.

Labcorp Genetics (formerly Invitae), Labcorp
Classification: Benign. Last evaluated: 2026-02-04. Review status: criteria provided, single submitter. Criteria: Invitae Variant Classification Sherloc (09022015). Collection method: clinical testing. Allele origin: germline.

Blueprint Genetics
Classification: Benign. Last evaluated: 2024-11-26. Review status: criteria provided, single submitter. Criteria: ACMG Guidelines, 2015. Collection method: clinical testing. Allele origin: germline.

Mayo Clinic Laboratories, Mayo Clinic
Classification: Benign. Last evaluated: 2022-03-09. Review status: criteria provided, single submitter. Criteria: ACMG Guidelines, 2015. Collection method: clinical testing. Allele origin: germline. Observed: 191 variant alleles.

Genome-Nilou Lab
Classification: Benign for Bartter disease type 4B. Last evaluated: 2021-07-22. Review status: criteria provided, single submitter. Criteria: ACMG Guidelines, 2015. Collection method: clinical testing. Allele origin: germline. Affected: no.

Genome-Nilou Lab
Classification: Benign for Bartter disease type 3. Last evaluated: 2021-07-22. Review status: criteria provided, single submitter. Criteria: ACMG Guidelines, 2015. Collection method: clinical testing. Allele origin: germline. Affected: no.

Athena Diagnostics
Classification: Benign. Last evaluated: 2017-07-26. Review status: criteria provided, single submitter. Criteria: Athena Diagnostics Criteria. Collection method: clinical testing. Allele origin: germline.

GeneDx
Classification: Benign. Last evaluated: 2015-05-26. Review status: criteria provided, single submitter. Criteria: GeneDx Variant Classification (06012015). Collection method: clinical testing. Allele origin: germline. Affected: yes.
Comment: This variant is considered likely benign or benign based on one or more of the following criteria: it is a conservative change, it occurs at a poorly conserved position in the protein, it is predicted to be benign by multiple in silico algorithms, and/or has population frequency not consistent with disease.

Breakthrough Genomics
Classification: Benign. Review status: criteria provided, single submitter. Criteria: ACMG Guidelines, 2015. Collection method: not provided. Allele origin: germline. Inheritance: Autosomal recessive inheritance. Affected: yes.

Diagnostic Laboratory, Department of Genetics, University Medical Center Groningen
Classification: Benign. Review status: no assertion criteria provided. Collection method: clinical testing. Allele origin: germline. Affected: yes. Study: VKGL Data-share Consensus. Not counted in ClinVar's aggregate classification.

Joint Genome Diagnostic Labs from Nijmegen and Maastricht, Radboudumc and MUMC+
Classification: Benign. Review status: no assertion criteria provided. Collection method: clinical testing. Allele origin: germline. Affected: yes. Study: VKGL Data-share Consensus. Not counted in ClinVar's aggregate classification.